The following is an entry in ClinVar:

NM_152381.6(XIRP2):c.6023A>G (p.Asn2008Ser)

Gene: XIRP2 (xin actin binding repeat containing 2; plus strand). Cytogenetic location: 2q24.3.
Variant type: single nucleotide variant.
Coding change: c.6023A>G on transcript NM_152381.6 (MANE Select); coding-DNA position 6023, A replaced by G.
Protein change: p.Asn2008Ser; replaces asparagine 2008 with serine.
Molecular consequence: missense variant. On other transcripts: intron variant (3).
Genome position (GRCh38, 1-based): chr2:167,247,415, A>G. VCF-style: chr2-167247415-A-G. GRCh37 (hg19) VCF-style: chr2-168103925-A-G.
Other names: c.5357A>G, p.Asn1786Ser (NM_001199144.2); c.1275+5505A>G (NM_001199143.2); c.1176+5505A>G (NM_001079810.4); c.510+5505A>G (NM_001199145.2); short protein forms N1786S, N2008S.
Identifiers: ClinVar variation 3056298 (VCV003056298.2), dbSNP rs7607246, ClinGen allele CA1947325.

ClinVar aggregate classification (germline): Benign (0 of 4 stars; one submission).

Conditions:
XIRP2-related disorder. Also called: XIRP2-related condition.

Allele frequency attached by ClinVar (database versions not stated): gnomAD exomes 0.10601; ExAC 0.12607; ESP Exome Variant Server 0.14824; gnomAD 0.15216; TOPMed 0.15563; 1000 Genomes Project 30x 0.17224; 1000 Genomes Project 0.17272.
gnomAD v4.1: 178,685 of 1,613,556 alleles (11%); highest among the groups gnomAD compares: African/African-American, 27%; 11,430 homozygotes.

Submission:

PreventionGenetics, part of Exact Sciences
Classification: Benign for XIRP2-related condition. Last evaluated: 2019-11-06. Review status: no assertion criteria provided. Collection method: clinical testing. Allele origin: germline.
Comment: This variant is classified as benign based on ACMG/AMP sequence variant interpretation guidelines (Richards et al. 2015 PMID: 25741868, with internal and published modifications).